The following is an entry in ClinVar:

ClinVar aggregate classification (germline): Benign/Likely benign. Review status: criteria provided, multiple submitters, no conflicts (2 of 4 stars). 3 submissions from 3 submitters: Benign (1); Likely benign (2). Last evaluated 2025-11-05.

Conditions:
Hereditary cancer-predisposing syndrome. Also called: Tumor predisposition; Neoplastic Syndromes, Hereditary; Hereditary Cancer Syndrome; Hereditary neoplastic syndrome. Identifiers: Orphanet 140162, MedGen C0027672, MeSH D009386, MONDO:0015356.
Familial cancer of breast. Also called: BREAST CANCER, FAMILIAL; Hereditary breast cancer; hereditary breast carcinoma. Identifiers: Orphanet 227535, MedGen C0346153, MONDO:0016419, OMIM 114480. Disease mechanism: loss of function.

Allele frequency attached by ClinVar (database versions not stated): gnomAD 0.00001.
gnomAD v4.1: 1 of 1,596,136 alleles (0.000063%); highest among the groups gnomAD compares: Non-Finnish European, 0.000085%; no homozygotes.

Submissions (3):

Labcorp Genetics (formerly Invitae), Labcorp
Classification: Likely benign for Familial cancer of breast. Last evaluated: 2025-11-05. Review status: criteria provided, single submitter. Criteria: Invitae Variant Classification Sherloc (09022015). Collection method: clinical testing. Allele origin: germline.

Myriad Genetics, Inc.
Classification: Benign for Familial cancer of breast. Last evaluated: 2024-10-08. Review status: criteria provided, single submitter. Criteria: Myriad Autosomal Dominant, Autosomal Recessive and X-Linked Classification Criteria (2023). Collection method: clinical testing. Allele origin: unknown.
Comment: This variant is considered benign. This variant is a silent/synonymous amino acid change and it is not expected to impact splicing.

Ambry Genetics
Classification: Likely benign for Hereditary cancer-predisposing syndrome. Last evaluated: 2020-12-14. Review status: criteria provided, single submitter. Criteria: Ambry Variant Classification Scheme 2023. Collection method: clinical testing. Allele origin: germline.

NM_007194.4(CHEK2):c.1431A>G (p.Thr477=)

Gene: CHEK2 (checkpoint kinase 2; minus strand). Cytogenetic location: 22q12.1.
Variant type: single nucleotide variant.
Coding change: c.1431A>G on transcript NM_007194.4 (MANE Select); coding-DNA position 1431, A replaced by G.
Protein change: p.Thr477=; no amino-acid change (threonine 477 retained).
Molecular consequence: synonymous variant.
Genome position (GRCh38, 1-based): chr22:28,694,062, T>C on the plus strand (A>G on the coding strand, the complement: CHEK2 is on the minus strand). VCF-style: chr22-28694062-T-C. GRCh37 (hg19) VCF-style: chr22-29090050-T-C.
Other names: c.1560A>G, p.Thr520= (NM_001005735.3); c.768A>G, p.Thr256= (NM_001257387.3); c.1230A>G, p.Thr410= (NM_001349956.3); c.1344A>G, p.Thr448= (NM_145862.3).
Identifiers: ClinVar variation 1103150 (VCV001103150.13), dbSNP rs2052468226, ClinGen allele CA513944753.
Genomic context (GRCh38, chr22:28,694,062, plus strand): 5'-TTATGCTAGCAGGCACTGTCCCACACCCACCTGAAGCCACGGGTGTCTTAAGGCTTCTTC[T>C]GTCGTAAAACGTGCCTTTGGATCCACTACCAACAACTTCTTGACAAGGTCCAGAGCTAAA-3'
Protein context (NP_009125.1, residues 467-487): LVVDPKARFT[Thr477=]EEALRHPWLQ